The following is an entry in ClinVar:

NM_001385.3(DPYS):c.*148C>T

Gene: DPYS (dihydropyrimidinase; minus strand). Cytogenetic location: 8q22.3.
Variant type: single nucleotide variant.
Coding change: c.*148C>T on transcript NM_001385.3 (MANE Select); 148 bases downstream of the stop codon, C replaced by T.
Molecular consequence: 3 prime UTR variant.
Genome position (GRCh38, 1-based): chr8:104,379,710, G>A on the plus strand (C>T on the coding strand, the complement: DPYS is on the minus strand). VCF-style: chr8-104379710-G-A. GRCh37 (hg19) VCF-style: chr8-105391938-G-A.
Identifiers: ClinVar variation 909726 (VCV000909726.4), dbSNP rs142452664, ClinGen allele CA4838231.
Genomic context (GRCh38, chr8:104,379,710, plus strand): 5'-TACCTTCAATCTTATGCAGCAACAAAAACACAGTGAGAAAGACAGCAATTGCTTCTGAAA[G>A]AAAATCAAAGAAGCCTATAGTGGTGAATTTTTTCTAAAGGATCCTAGGGAGTTGAATAAG-3'

ClinVar aggregate classification (germline): Benign (1 of 4 stars; one submission).

Conditions:
Dihydropyrimidinase deficiency (DPYSD). Also called: DPH DEFICIENCY; DPYS DEFICIENCY; dihydropyrimidinuria. Identifiers: Orphanet 38874, MedGen C0342803, MONDO:0009111, OMIM 222748.

Allele frequency attached by ClinVar (database versions not stated): gnomAD exomes 0.00058 and 0.00105; ExAC 0.00093; gnomAD 0.00457 and 0.00494; 1000 Genomes Project 0.00459; 1000 Genomes Project 30x 0.00468; TOPMed 0.00513.
gnomAD v4.1: 857 of 429,114 alleles (0.2%); highest among the groups gnomAD compares: African/African-American, 1.6%; 7 homozygotes.

Submission:

Illumina Laboratory Services, Illumina
Classification: Benign for Dihydropyrimidinase deficiency. Last evaluated: 2017-04-27. Review status: criteria provided, single submitter. Criteria: ICSL Variant Classification Criteria 13 December 2019. Collection method: clinical testing. Allele origin: germline.
Comment: This variant was observed as part of a predisposition screen in an ostensibly healthy population. A literature search was performed for the gene, cDNA change, and amino acid change (where applicable). No publications were found based on this search. Allele frequency data from public databases was too high to be consistent with this variant causing disease. Therefore, this variant is classified as benign.